The following is an entry in ClinVar:

NM_001379500.1(COL18A1):c.440C>A (p.Thr147Asn)

Gene: COL18A1 (collagen type XVIII alpha 1 chain; plus strand). Cytogenetic location: 21q22.3.
Variant type: single nucleotide variant.
Coding change: c.440C>A on transcript NM_001379500.1 (MANE Select); coding-DNA position 440, C replaced by A.
Protein change: p.Thr147Asn; replaces threonine 147 with asparagine.
Molecular consequence: missense variant.
Genome position (GRCh38, 1-based): chr21:45,468,575, C>A. VCF-style: chr21-45468575-C-A. GRCh37 (hg19) VCF-style: chr21-46888489-C-A.
Other names: c.980C>A, p.Thr327Asn (NM_030582.4); c.1685C>A, p.Thr562Asn (NM_130444.3); short protein forms T147N, T562N, T327N.
Identifiers: ClinVar variation 1389741 (VCV001389741.6), dbSNP rs2145890723, ClinGen allele CA410512050.
Genomic context (GRCh38, chr21:45,468,575, plus strand): 5'-GGGTGCAGGACGGGCACCAGGACATCTCCCTGCTCTACACAGAACCAGGTGCAGGCCAGA[C>A]CCACACAGCCGCCAGCTTCCGGCTCCCCGCCTTCGTCGGCCAGTGGACACACTTAGCCCT-3'
Protein context (NP_001366429.1, residues 137-157): LLYTEPGAGQ[Thr147Asn]HTAASFRLPA

ClinVar aggregate classification (germline): Uncertain significance (1 of 4 stars; one submission).

Allele frequency attached by ClinVar (database versions not stated): gnomAD exomes below 0.00001.
gnomAD v4.1: 1 of 1,613,640 alleles (0.000062%); highest among the groups gnomAD compares: Non-Finnish European, 0.000085%; no homozygotes.

Submission:

Labcorp Genetics (formerly Invitae), Labcorp
Classification: Uncertain significance. Last evaluated: 2021-12-25. Review status: criteria provided, single submitter. Criteria: Invitae Variant Classification Sherloc (09022015). Collection method: clinical testing. Allele origin: germline.
Comment: This sequence change replaces threonine, which is neutral and polar, with asparagine, which is neutral and polar, at codon 147 of the COL18A1 protein (p.Thr147Asn). This variant is not present in population databases (gnomAD no frequency). This variant has not been reported in the literature in individuals affected with COL18A1-related conditions. Experimental studies and prediction algorithms are not available or were not evaluated, and the functional significance of this variant is currently unknown. In summary, the available evidence is currently insufficient to determine the role of this variant in disease. Therefore, it has been classified as a Variant of Uncertain Significance.